The following is an entry in ClinVar:

ClinVar aggregate classification (germline): Uncertain significance. Review status: criteria provided, multiple submitters, no conflicts (2 of 4 stars). 3 submissions from 3 submitters: Uncertain significance (3). Last evaluated 2023-04-07.

Conditions:
Hypertrophic cardiomyopathy 1 (CMH1). Also called: Familial hypertrophic cardiomyopathy 1; MYH7-Related Familial Hypertrophic Cardiomyopathy. Identifiers: MedGen C3495498, MONDO:0008647, OMIM 192600.
Hypertrophic cardiomyopathy 14. Identifiers: MedGen C2750467, MONDO:0013197, OMIM 613251.
Dilated cardiomyopathy 1EE (CMD1EE). Identifiers: Orphanet 154, MedGen C2750466, MONDO:0013198, OMIM 613252.
Sick sinus syndrome 3, susceptibility to (SSS3). Identifiers: Orphanet 166282, MedGen C3279791, MONDO:0013568, OMIM 614090.
Atrial septal defect 3 (ASD3). Identifiers: Orphanet 1478, MedGen C3279790, MONDO:0013567, OMIM 614089.

Allele frequency attached by ClinVar (database versions not stated): gnomAD exomes below 0.00001 and 0.00001; ExAC 0.00002; gnomAD 0.00002; TOPMed 0.00003.
gnomAD v4.1: 8 of 1,613,990 alleles (0.0005%); highest among the groups gnomAD compares: African/African-American, 0.008%; no homozygotes.

Submissions (3):

Labcorp Genetics (formerly Invitae), Labcorp
Classification: Uncertain significance for Hypertrophic cardiomyopathy 14. Last evaluated: 2023-04-07. Review status: criteria provided, single submitter. Criteria: Invitae Variant Classification Sherloc (09022015). Collection method: clinical testing. Allele origin: germline.
Comment: This sequence change replaces tyrosine, which is neutral and polar, with cysteine, which is neutral and slightly polar, at codon 162 of the MYH6 protein (p.Tyr162Cys). This variant is present in population databases (rs397516772, gnomAD 0.007%). This missense change has been observed in individual(s) with dilated cardiomyopathy (PMID: 27532257). ClinVar contains an entry for this variant (Variation ID: 44523). Advanced modeling of protein sequence and biophysical properties (such as structural, functional, and spatial information, amino acid conservation, physicochemical variation, residue mobility, and thermodynamic stability) performed at Invitae indicates that this missense variant is expected to disrupt MYH6 protein function. In summary, the available evidence is currently insufficient to determine the role of this variant in disease. Therefore, it has been classified as a Variant of Uncertain Significance.

Fulgent Genetics
Classification: Uncertain significance for Hypertrophic cardiomyopathy 1; Hypertrophic cardiomyopathy 14; Dilated cardiomyopathy 1EE; Atrial septal defect 3; Sick sinus syndrome 3, susceptibility to. Last evaluated: 2021-10-20. Review status: criteria provided, single submitter. Criteria: ACMG Guidelines, 2015. Collection method: clinical testing. Allele origin: unknown.

Laboratory for Molecular Medicine, Mass General Brigham Personalized Medicine
Classification: Uncertain significance. Last evaluated: 2012-12-04. Review status: criteria provided, single submitter. Criteria: LMM Criteria. Collection method: clinical testing. Allele origin: germline. Observed: 2 variant alleles.
Comment: This variant has not been identified in large and broad E uropean American and African American populations by the NHLBI Exome Sequencing Project, though this low frequency is insuff icient to assess the clinical significance of this variant. The same variant in MYH7, a homolog with high sequence similarity, has been identified in cases of H CM and some studies suggest that it could impact the protein (Rayment 1995, Cuda 1997). However, due to the similarity between these genes, we cannot rule out t hat these reports detected this variant (in MYH6). Computational analyses (bioch emical amino acid properties, conservation, AlignGVGD, PolyPhen2, and SIFT) sugg est that this variant may impact the protein, though this information is not pre dictive enough to determine pathogenicity. In summary, additional information is needed to assess the clinical significance of this variant.

Literature cited by the submitters: PubMed 27532257 (cited by Labcorp Genetics (formerly Invitae), Labcorp); PubMed 7731997 (cited by Laboratory for Molecular Medicine, Mass General Brigham Personalized Medicine); PubMed 9172070 (cited by Laboratory for Molecular Medicine, Mass General Brigham Personalized Medicine).

NM_002471.4(MYH6):c.485A>G (p.Tyr162Cys)

Genes: MYH6 (myosin heavy chain 6; minus strand), LOC114827851 (VISTA enhancer hs2155; plus strand). Cytogenetic location: 14q11.2.
Variant type: single nucleotide variant.
Coding change: c.485A>G on transcript NM_002471.4 (MANE Select); coding-DNA position 485, A replaced by G.
Protein change: p.Tyr162Cys; replaces tyrosine 162 with cysteine.
Molecular consequence: missense variant.
Genome position (GRCh38, 1-based): chr14:23,405,240, T>C on the plus strand (A>G on the coding strand, the complement: MYH6 is on the minus strand). VCF-style: chr14-23405240-T-C. GRCh37 (hg19) VCF-style: chr14-23874449-T-C.
Other names: short protein forms Y162C.
Identifiers: ClinVar variation 44523 (VCV000044523.13), dbSNP rs397516772, ClinGen allele CA134437.